The following is an entry in ClinVar:

ClinVar aggregate classification (germline): Uncertain significance (1 of 4 stars; one submission).

Conditions:
Arrhythmogenic right ventricular dysplasia 9 (ARVD9). Also called: Arrhythmogenic Right Ventricular Dysplasia/Cardiomyopathy 9; ARRHYTHMOGENIC RIGHT VENTRICULAR DYSPLASIA, FAMILIAL, 9. Identifiers: MedGen C1836906, MONDO:0012180, OMIM 609040.

gnomAD v4.1: 2 of 1,565,118 alleles (0.00013%); highest among the groups gnomAD compares: East Asian, 0.0023%; no homozygotes.

Submission:

Labcorp Genetics (formerly Invitae), Labcorp
Classification: Uncertain significance for Arrhythmogenic right ventricular dysplasia 9. Last evaluated: 2024-06-03. Review status: criteria provided, single submitter. Criteria: Invitae Variant Classification Sherloc (09022015). Collection method: clinical testing. Allele origin: germline.
Comment: This sequence change replaces aspartic acid, which is acidic and polar, with glutamic acid, which is acidic and polar, at codon 26 of the PKP2 protein (p.Asp26Glu). The frequency data for this variant in the population databases is considered unreliable, as metrics indicate poor data quality at this position in the gnomAD database. This variant has not been reported in the literature in individuals affected with PKP2-related conditions. An algorithm developed to predict the effect of missense changes on protein structure and function (PolyPhen-2) suggests that this variant is likely to be tolerated. In summary, the available evidence is currently insufficient to determine the role of this variant in disease. Therefore, it has been classified as a Variant of Uncertain Significance.

NM_001005242.3(PKP2):c.78C>A (p.Asp26Glu)

Gene: PKP2 (plakophilin 2; minus strand). Cytogenetic location: 12p11.21.
Variant type: single nucleotide variant.
Coding change: c.78C>A on transcript NM_001005242.3 (MANE Select); coding-DNA position 78, C replaced by A.
Protein change: p.Asp26Glu; replaces aspartic acid 26 with glutamic acid.
Molecular consequence: missense variant. On other transcripts: 5 prime UTR variant (4).
Genome position (GRCh38, 1-based): chr12:32,896,654, G>T on the plus strand (C>A on the coding strand, the complement: PKP2 is on the minus strand). VCF-style: chr12-32896654-G-T. GRCh37 (hg19) VCF-style: chr12-33049588-G-T.
Other names: c.78C>A, p.Asp26Glu (NM_001407155.1, NM_001407156.1, NM_001407157.1 and 2 more transcripts); c.-749C>A (NM_001407158.1, NM_001407162.1); c.-513C>A (NM_001407159.1, NM_001407160.1); short protein forms D26E.
Identifiers: ClinVar variation 3605710 (VCV003605710.2).